The following is an entry in ClinVar:

ClinVar aggregate classification (germline): Uncertain significance (1 of 4 stars; one submission).

Submission:

Labcorp Genetics (formerly Invitae), Labcorp
Classification: Uncertain significance. Last evaluated: 2026-01-12. Review status: criteria provided, single submitter. Criteria: Invitae Variant Classification Sherloc (09022015). Collection method: clinical testing. Allele origin: germline.
Comment: This sequence change replaces tryptophan, which is neutral and slightly polar, with leucine, which is neutral and non-polar, at codon 24 of the GJB4 protein (p.Trp24Leu). This variant is not present in population databases (gnomAD no frequency). This variant has not been reported in the literature in individuals affected with GJB4-related conditions. Invitae Evidence Modeling of protein sequence and biophysical properties (such as structural, functional, and spatial information, amino acid conservation, physicochemical variation, residue mobility, and thermodynamic stability) indicates that this missense variant is expected to disrupt GJB4 protein function with a positive predictive value of 80%. In summary, the available evidence is currently insufficient to determine the role of this variant in disease. Therefore, it has been classified as a Variant of Uncertain Significance.

NM_153212.3(GJB4):c.71G>T (p.Trp24Leu)

Gene: GJB4 (gap junction protein beta 4; plus strand). Cytogenetic location: 1p34.3.
Variant type: single nucleotide variant.
Coding change: c.71G>T on transcript NM_153212.3 (MANE Select); coding-DNA position 71, G replaced by T.
Protein change: p.Trp24Leu; replaces tryptophan 24 with leucine.
Molecular consequence: missense variant.
Genome position (GRCh38, 1-based): chr1:34,761,325, G>T. VCF-style: chr1-34761325-G-T. GRCh37 (hg19) VCF-style: chr1-35226926-G-T.
Other names: short protein forms W24L.
Identifiers: ClinVar variation 4745752 (VCV004745752.1).
Genomic context (GRCh38, chr1:34,761,325, plus strand): 5'-CATTTCTGCAGGGCCTGCTGAGTGGCGTGAACAAGTACTCCACAGTGCTGAGCCGCATCT[G>T]GCTGTCTGTGGTGTTCATCTTTCGTGTGCTGGTGTACGTGGTGGCAGCGGAGGAGGTGTG-3'
Protein context (NP_694944.1, residues 14-34): NKYSTVLSRI[Trp24Leu]LSVVFIFRVL